The following is an entry in ClinVar:

NM_001111.5(ADAR):c.2501C>T (p.Pro834Leu)

Gene: ADAR (adenosine deaminase RNA specific; minus strand). Cytogenetic location: 1q21.3.
Variant type: single nucleotide variant.
Coding change: c.2501C>T on transcript NM_001111.5 (MANE Select); coding-DNA position 2501, C replaced by T.
Protein change: p.Pro834Leu; replaces proline 834 with leucine.
Molecular consequence: missense variant.
Genome position (GRCh38, 1-based): chr1:154,589,924, G>A on the plus strand (C>T on the coding strand, the complement: ADAR is on the minus strand). VCF-style: chr1-154589924-G-A. GRCh37 (hg19) VCF-style: chr1-154562400-G-A.
Other names: c.1616C>T, p.Pro539Leu (NM_001025107.3, NM_001193495.2, NM_001365046.1 and 2 more transcripts); c.2528C>T, p.Pro843Leu (NM_001365045.1); c.1538C>T, p.Pro513Leu (NM_001365049.1); c.2423C>T, p.Pro808Leu (NM_015840.4); c.2366C>T, p.Pro789Leu (NM_015841.4); short protein forms P513L, P789L, P834L, P539L, P808L, P843L.
Identifiers: ClinVar variation 1896986 (VCV001896986.5), dbSNP rs1447470698, ClinGen allele CA342637106.

ClinVar aggregate classification (germline): Uncertain significance (1 of 4 stars; one submission).

Conditions:
Aicardi-Goutieres syndrome 6 (AGS6). Identifiers: Orphanet 51, MedGen C3539013, MONDO:0014007, OMIM 615010.
Symmetrical dyschromatosis of extremities (DSH). Also called: Dyschromatosis symmetrica hereditaria; DYSCHROMATOSIS SYMMETRICA HEREDITARIA 1; RETICULATE ACROPIGMENTATION OF DOHI; SYMMETRIC DYSCHROMATOSIS OF THE EXTREMITIES. Identifiers: Orphanet 41, MedGen C0406775, MONDO:0007483, OMIM 127400.

Submission:

Labcorp Genetics (formerly Invitae), Labcorp
Classification: Uncertain significance for Aicardi-Goutieres syndrome 6; Symmetrical dyschromatosis of extremities. Last evaluated: 2022-05-21. Review status: criteria provided, single submitter. Criteria: Invitae Variant Classification Sherloc (09022015). Collection method: clinical testing. Allele origin: germline.
Comment: This variant is present in population databases (no rsID available, gnomAD 0.006%). This variant has not been reported in the literature in individuals affected with ADAR-related conditions. Algorithms developed to predict the effect of missense changes on protein structure and function are either unavailable or do not agree on the potential impact of this missense change (SIFT: "Deleterious"; PolyPhen-2: "Possibly Damaging"; Align-GVGD: "Class C0"). In summary, the available evidence is currently insufficient to determine the role of this variant in disease. Therefore, it has been classified as a Variant of Uncertain Significance. This sequence change replaces proline, which is neutral and non-polar, with leucine, which is neutral and non-polar, at codon 834 of the ADAR protein (p.Pro834Leu).